The following is an entry in ClinVar:

NM_001165963.4(SCN1A):c.4969dup (p.Arg1657fs)

Genes: SCN1A (sodium voltage-gated channel alpha subunit 1; minus strand), LOC102724058 (uncharacterized LOC102724058; plus strand). Cytogenetic location: 2q24.3.
Variant type: Duplication.
Coding change: c.4969dup on transcript NM_001165963.4 (MANE Select); coding-DNA position 4969, one base duplicated (C; older notation c.4969dupC).
Protein change: p.Arg1657fs; shifts the reading frame from arginine 1657.
Molecular consequence: frameshift variant. On other transcripts: non-coding transcript variant (1).
Genome position (GRCh38, 1-based): chr2:165,992,306, G duplicated on the plus strand (C on the coding strand, the reverse complement: SCN1A is on the minus strand); the first of 2 consecutive G bases (chr2:165,992,306-165,992,307); duplicating either gives the same sequence. VCF-style (leftmost placement, unchanged base first): chr2-165992305-C-CG. GRCh37 (hg19) VCF-style: chr2-166848815-C-CG.
Other names: c.4885dup, p.Arg1629fs (NM_001165964.3, NM_001353957.2, NM_001353958.2); c.4969dup, p.Arg1657fs (NM_001202435.3, NM_001353948.2); c.4936dup, p.Arg1646fs (NM_001353949.2, NM_001353950.2, NM_001353951.2 and 2 more transcripts); c.4933dup, p.Arg1645fs (NM_001353954.2, NM_001353955.2); c.4882dup, p.Arg1628fs (NM_001353960.2); c.2527dup, p.Arg843fs (NM_001353961.2); short protein forms R1628fs, R1629fs, R1645fs, R1646fs, R1657fs, R843fs.
Identifiers: ClinVar variation 4057278 (VCV004057278.1).
Genomic context (GRCh38, chr2:165,992,305, plus strand): 5'-AGTAGGAGGCCGATGTTAAACAACGCAGGAAGGGACATCATCAAAGCAAAGAGCAGCGTG[C>CG]GGATCCCCTTTGCTCCTTTGATCAGACGTAGGATTCGGCCAATCCTAGCAAGACGGATCA-3'

ClinVar aggregate classification (germline): Likely pathogenic (1 of 4 stars; one submission).

Conditions:
Generalized epilepsy with febrile seizures plus, type 2 (GEFSP2). Also called: GEFS+, TYPE 2. Identifiers: Orphanet 36387, MedGen C1858673, MONDO:0011461, OMIM 604403.

Submission:

Diagnostics Services (NGS), CSIR - Centre For Cellular And Molecular Biology
Classification: Likely pathogenic for Generalized epilepsy with febrile seizures plus, type 2. Last evaluated: 2025-05-23. Review status: criteria provided, single submitter. Criteria: ACMG Guidelines, 2015. Collection method: clinical testing. Allele origin: unknown. Affected: yes. Observed: 1 variant allele, 1 heterozygote.
Comment: The c.4969dup variant is not present in publicly available population databases like 1000 Genomes, EVS, gnomAD, Indian Exome Database or our internal database. This variant has neither been published in the literature for SCN1A-related conditions nor reported to clinical databases like Human Genome Mutation database (HGMD), OMIM, or ClinVar in any affected individuals. In-silico pathogenicity prediction programs like MutationTaster2021, CADD, Franklin, Varsome etc predicted this variant to be likely deleterious. This variant causes frameshift at the 1657th amino acid position of the wild-type transcript which creates a premature translational stop signal at the altered transcript that may either result in translation of a truncated protein or cause nonsense mediated decay of the mRNA.